The following is an entry in ClinVar:

ClinVar aggregate classification (germline): Uncertain significance. Review status: criteria provided, multiple submitters, no conflicts (2 of 4 stars). 3 submissions from 3 submitters: Uncertain significance (3). Last evaluated 2026-01-19.

Conditions:
Inborn genetic diseases. Identifiers: MedGen C0950123, MeSH D030342.

Allele frequency attached by ClinVar (database versions not stated): TOPMed 0.00013; ESP Exome Variant Server 0.00015; gnomAD 0.00015 and 0.00018; ExAC 0.00018.
gnomAD v4.1: 290 of 1,614,050 alleles (0.018%); highest among the groups gnomAD compares: Middle Eastern, 0.033%; no homozygotes.

Submissions (3):

Labcorp Genetics (formerly Invitae), Labcorp
Classification: Uncertain significance. Last evaluated: 2026-01-19. Review status: criteria provided, single submitter. Criteria: Invitae Variant Classification Sherloc (09022015). Collection method: clinical testing. Allele origin: germline.
Comment: This sequence change replaces valine, which is neutral and non-polar, with isoleucine, which is neutral and non-polar, at codon 94 of the NDUFA2 protein (p.Val94Ile). This variant is present in population databases (rs142478462, gnomAD 0.03%). This variant has not been reported in the literature in individuals affected with NDUFA2-related conditions. ClinVar contains an entry for this variant (Variation ID: 214710). An algorithm developed to predict the effect of missense changes on protein structure and function (PolyPhen-2) suggests that this variant is likely to be tolerated. In summary, the available evidence is currently insufficient to determine the role of this variant in disease. Therefore, it has been classified as a Variant of Uncertain Significance.

GeneDx
Classification: Uncertain significance. Last evaluated: 2024-09-26. Review status: criteria provided, single submitter. Criteria: GeneDx Variant Classification Process June 2021. Collection method: clinical testing. Allele origin: germline. Affected: yes.
Comment: In silico analysis indicates that this missense variant does not alter protein structure/function; This variant is associated with the following publications: (PMID: 26740555, 29970176, 28719003)

Ambry Genetics
Classification: Uncertain significance for Inborn genetic diseases. Last evaluated: 2022-01-26. Review status: criteria provided, single submitter. Criteria: Ambry Variant Classification Scheme 2023. Collection method: clinical testing. Allele origin: germline.

NM_002488.5(NDUFA2):c.280G>A (p.Val94Ile)

Genes: NDUFA2 (NADH:ubiquinone oxidoreductase subunit A2; minus strand), TMCO6 (transmembrane and coiled-coil domains 6; plus strand). Cytogenetic location: 5q31.3.
Variant type: single nucleotide variant.
Coding change: c.280G>A on transcript NM_002488.5 (MANE Select); coding-DNA position 280, G replaced by A.
Protein change: p.Val94Ile; replaces valine 94 with isoleucine.
Molecular consequence: missense variant. On other transcripts: 3 prime UTR variant (1), non-coding transcript variant (1).
Genome position (GRCh38, 1-based): chr5:140,645,607, C>T on the plus strand (G>A on the coding strand, the complement: NDUFA2 is on the minus strand). VCF-style: chr5-140645607-C-T. GRCh37 (hg19) VCF-style: chr5-140025192-C-T.
Other names: c.*96G>A (NM_001185012.2); short protein forms V94I.
Identifiers: ClinVar variation 214710 (VCV000214710.7), dbSNP rs142478462, ClinGen allele CA323264.